The following is an entry in ClinVar:

NM_004304.5(ALK):c.3134T>C (p.Val1045Ala)

Gene: ALK (ALK receptor tyrosine kinase; minus strand). Cytogenetic location: 2p23.2.
Variant type: single nucleotide variant.
Coding change: c.3134T>C on transcript NM_004304.5 (MANE Select); coding-DNA position 3134, T replaced by C.
Protein change: p.Val1045Ala; replaces valine 1045 with alanine.
Molecular consequence: missense variant.
Genome position (GRCh38, 1-based): chr2:29,225,499, A>G on the plus strand (T>C on the coding strand, the complement: ALK is on the minus strand). VCF-style: chr2-29225499-A-G. GRCh37 (hg19) VCF-style: chr2-29448365-A-G.
Other names: short protein forms V1045A.
Identifiers: ClinVar variation 664679 (VCV000664679.6), dbSNP rs1573128792, ClinGen allele CA346466863.

ClinVar aggregate classification (germline): Uncertain significance (1 of 4 stars; one submission).

Conditions:
Neuroblastoma, susceptibility to, 3. Also called: ALK-Related Neuroblastic Tumor Susceptibility. Identifiers: Orphanet 635, MedGen C2751681, MONDO:0013083, OMIM 613014.

Submission:

Labcorp Genetics (formerly Invitae), Labcorp
Classification: Uncertain significance for Neuroblastoma, susceptibility to, 3. Last evaluated: 2025-04-14. Review status: criteria provided, single submitter. Criteria: Invitae Variant Classification Sherloc (09022015). Collection method: clinical testing. Allele origin: germline.
Comment: This sequence change replaces valine, which is neutral and non-polar, with alanine, which is neutral and non-polar, at codon 1045 of the ALK protein (p.Val1045Ala). This variant is not present in population databases (gnomAD no frequency). This variant has not been reported in the literature in individuals affected with ALK-related conditions. ClinVar contains an entry for this variant (Variation ID: 664679). An algorithm developed to predict the effect of missense changes on protein structure and function (PolyPhen-2) suggests that this variant is likely to be disruptive. In summary, the available evidence is currently insufficient to determine the role of this variant in disease. Therefore, it has been classified as a Variant of Uncertain Significance.